The following is an entry in ClinVar:

NM_024334.3(TMEM43):c.387G>A (p.Glu129=)

Gene: TMEM43 (transmembrane protein 43; plus strand). Cytogenetic location: 3p25.1.
Variant type: single nucleotide variant.
Coding change: c.387G>A on transcript NM_024334.3 (MANE Select); coding-DNA position 387, G replaced by A.
Protein change: p.Glu129=; no amino-acid change (glutamic acid 129 retained).
Molecular consequence: synonymous variant.
Genome position (GRCh38, 1-based): chr3:14,131,669, G>A. VCF-style: chr3-14131669-G-A. GRCh37 (hg19) VCF-style: chr3-14173169-G-A.
Other names: c.387G>A, p.Glu129= (NM_001407274.1, NM_001407275.1, NM_001407276.1 and 2 more transcripts); c.372G>A, p.Glu124= (NM_001407278.1); c.237G>A, p.Glu79= (NM_001407280.1).
Identifiers: ClinVar variation 4758201 (VCV004758201.5).

ClinVar aggregate classification (germline): Likely benign. Review status: criteria provided, multiple submitters, no conflicts (2 of 4 stars). 2 submissions from 2 submitters: Likely benign (2). Last evaluated 2026-01-01.

Conditions:
Cardiomyopathy (CMYO). Also called: Cardiomyopathies. Identifiers: Orphanet 167848, MedGen C0878544, MONDO:0004994, HP:0001638. Inheritance: Various modes of inheritance.

gnomAD v4.1: 1 of 1,613,232 alleles (0.000062%); highest among the groups gnomAD compares: African/African-American, 0.0013%; no homozygotes.

Submissions (2):

CeGaT Center for Human Genetics Tuebingen
Classification: Likely benign. Last evaluated: 2026-01-01. Review status: criteria provided, single submitter. Criteria: CeGaT Center For Human Genetics Tuebingen Variant Classification Criteria Version 2. Collection method: clinical testing. Allele origin: germline. Affected: yes. Observed: 1 variant allele.
Comment: TMEM43: BP4, BP7

Color Diagnostics, LLC DBA Color Health
Classification: Likely benign for Cardiomyopathy. Last evaluated: 2025-10-03. Review status: criteria provided, single submitter. Criteria: ACMG Guidelines, 2015. Collection method: clinical testing. Allele origin: germline.